The following is an entry in ClinVar:

NM_004646.4(NPHS1):c.455C>T (p.Ala152Val)

Gene: NPHS1 (NPHS1 adhesion molecule, nephrin; minus strand). Cytogenetic location: 19q13.12.
Variant type: single nucleotide variant.
Coding change: c.455C>T on transcript NM_004646.4 (MANE Select); coding-DNA position 455, C replaced by T.
Protein change: p.Ala152Val; replaces alanine 152 with valine.
Molecular consequence: missense variant.
Genome position (GRCh38, 1-based): chr19:35,851,032, G>A on the plus strand (C>T on the coding strand, the complement: NPHS1 is on the minus strand). VCF-style: chr19-35851032-G-A. GRCh37 (hg19) VCF-style: chr19-36341934-G-A.
Other names: short protein forms A152V.
Identifiers: ClinVar variation 5002968 (VCV005002968.1).

ClinVar aggregate classification (germline): Uncertain significance (1 of 4 stars; one submission).

Conditions:
Finnish congenital nephrotic syndrome (NPHS1). Also called: NEPHROTIC SYNDROME, TYPE 1. Identifiers: Orphanet 839, MedGen C0403399, MONDO:0009732, OMIM 256300.

gnomAD v4.1: 1 of 1,614,204 alleles (0.000062%); highest among the groups gnomAD compares: Non-Finnish European, 0.000085%; no homozygotes.

Submission:

OLLIN Analises Genomicas, OLLIN
Classification: Uncertain significance for Finnish congenital nephrotic syndrome. Last evaluated: 2026-08-06. Review status: criteria provided, single submitter. Criteria: ACMG Guidelines 2015 PMID 25741868. Collection method: clinical testing. Allele origin: germline. Inheritance: Autosomal recessive inheritance.
Comment: This missense variant, located in exon 4 (of 29), has been observed in gnomAD with an allele frequency of 0.000062%, but has not been reported in ClinVar or identified in the literature. In silico analysis is inconclusive regarding the impact of this variant. According to the currently available evidence, this variant has been classified as uncertain significance (PM2_P).